The following is an entry in ClinVar:

NM_000179.3(MSH6):c.1901T>C (p.Leu634Ser)

Gene: MSH6 (mutS homolog 6; plus strand). Cytogenetic location: 2p16.3.
Variant type: single nucleotide variant.
Coding change: c.1901T>C on transcript NM_000179.3 (MANE Select); coding-DNA position 1901, T replaced by C.
Protein change: p.Leu634Ser; replaces leucine 634 with serine.
Molecular consequence: missense variant. On other transcripts: non-coding transcript variant (5), intron variant (2).
Genome position (GRCh38, 1-based): chr2:47,799,884, T>C. VCF-style: chr2-47799884-T-C. GRCh37 (hg19) VCF-style: chr2-48027023-T-C.
Other names: c.1901T>C, p.Leu634Ser (NM_001406796.1, NM_001406798.1, NM_001406800.1 and 3 more transcripts); c.1604T>C, p.Leu535Ser (NM_001406797.1, NM_001406801.1, NM_001406818.1 and 10 more transcripts); c.1376T>C, p.Leu459Ser (NM_001406799.1, NM_001406806.1, NM_001406807.1); c.1997T>C, p.Leu666Ser (NM_001406802.1, NM_001406795.1); c.1823T>C, p.Leu608Ser (NM_001406804.1); c.995T>C, p.Leu332Ser (NM_001406816.1, NM_001406823.1, NM_001281493.2 and 6 more transcripts); c.1511T>C, p.Leu504Ser (NM_001281492.2); c.1907T>C, p.Leu636Ser (NM_001406813.1); and 3 more; short protein forms L459S, L504S, L666S, L636S, L332S, L535S, L634S, L578S.
Identifiers: ClinVar variation 2833392 (VCV002833392.3), dbSNP rs63751097, ClinGen allele CA346750109.

ClinVar aggregate classification (germline): Uncertain significance (1 of 4 stars; one submission).

Conditions:
Hereditary nonpolyposis colorectal neoplasms. Identifiers: MedGen C0009405, MeSH D003123.

Submission:

Labcorp Genetics (formerly Invitae), Labcorp
Classification: Uncertain significance for Hereditary nonpolyposis colorectal neoplasms. Last evaluated: 2023-02-01. Review status: criteria provided, single submitter. Criteria: Invitae Variant Classification Sherloc (09022015). Collection method: clinical testing. Allele origin: germline.
Comment: This sequence change replaces leucine, which is neutral and non-polar, with serine, which is neutral and polar, at codon 634 of the MSH6 protein (p.Leu634Ser). This variant is not present in population databases (gnomAD no frequency). This variant has not been reported in the literature in individuals affected with MSH6-related conditions. Algorithms developed to predict the effect of missense changes on protein structure and function (SIFT, PolyPhen-2, Align-GVGD) all suggest that this variant is likely to be disruptive. In summary, the available evidence is currently insufficient to determine the role of this variant in disease. Therefore, it has been classified as a Variant of Uncertain Significance.